The following is an entry in ClinVar:

NM_001127208.3(TET2):c.5885C>T (p.Pro1962Leu)

Genes: TET2 (tet methylcytosine dioxygenase 2; plus strand), TET2-AS1 (TET2 antisense RNA 1; minus strand). Cytogenetic location: 4q24.
Variant type: single nucleotide variant.
Coding change: c.5885C>T on transcript NM_001127208.3 (MANE Select); coding-DNA position 5885, C replaced by T.
Protein change: p.Pro1962Leu; replaces proline 1962 with leucine.
Molecular consequence: missense variant.
Genome position (GRCh38, 1-based): chr4:105,276,395, C>T. VCF-style: chr4-105276395-C-T. GRCh37 (hg19) VCF-style: chr4-106197552-C-T.
Other names: c.5885C>T (NM_001127208.2); short protein forms P1962L.
Identifiers: ClinVar variation 135294 (VCV000135294.30), dbSNP rs200971953, ClinGen allele CA162249.

ClinVar aggregate classification (germline): Uncertain significance. Review status: criteria provided, multiple submitters, no conflicts (2 of 4 stars). 5 submissions from 5 submitters: Uncertain significance (4). 1 of the submissions does not count toward it. Last evaluated 2026-01-14.

Allele frequency attached by ClinVar (database versions not stated): ExAC 0.00004; ESP Exome Variant Server 0.00022; gnomAD exomes 0.00022 and 0.00054; TOPMed 0.00032; gnomAD 0.00037 and 0.00039.
gnomAD v4.1: 812 of 1,551,790 alleles (0.052%); highest among the groups gnomAD compares: Non-Finnish European, 0.067%; no homozygotes.

Submissions (5):

Labcorp Genetics (formerly Invitae), Labcorp
Classification: Uncertain significance. Last evaluated: 2026-01-14. Review status: criteria provided, single submitter. Criteria: Invitae Variant Classification Sherloc (09022015). Collection method: clinical testing. Allele origin: germline.
Comment: This sequence change replaces proline, which is neutral and non-polar, with leucine, which is neutral and non-polar, at codon 1962 of the TET2 protein (p.Pro1962Leu). This variant is present in population databases (rs200971953, gnomAD 0.06%). This missense change has been observed in individual(s) with clinical features of acute myeloid leukemia or myelodysplastic syndrome (PMID: 22116554, 22390313, 32098966). ClinVar contains an entry for this variant (Variation ID: 135294). An algorithm developed to predict the effect of missense changes on protein structure and function (PolyPhen-2) suggests that this variant is likely to be disruptive. In summary, the available evidence is currently insufficient to determine the role of this variant in disease. Therefore, it has been classified as a Variant of Uncertain Significance.

ARUP Laboratories, Molecular Genetics and Genomics, ARUP Laboratories
Classification: Uncertain significance. Last evaluated: 2025-03-13. Review status: criteria provided, single submitter. Criteria: ARUP Molecular Germline Variant Investigation Process 2024. Collection method: clinical testing. Allele origin: germline.
Comment: The TET2 : c.5885C>T; p.Pro1962Leu variant (rs200971953, ClinVar Variation ID: 135294) is reported in the literature in an individual affected with suspected CHIP/ARCH, though additional evidence of causality was not presented (Rio-Machin 2020). This variant is found in the non-Finnish European population with an allele frequency of 0.057% (44/76876 alleles) in the Genome Aggregation Database (v2.1.1). Computational analyses are uncertain whether this variant is neutral or deleterious (REVEL: 0.198). Due to limited information, the clinical significance of this variant is uncertain at this time. References: Rio-Machin A et al. The complex genetic landscape of familial MDS and AML reveals pathogenic germline variants. Nat Commun. 2020 Feb 25;11(1):1044. PMID: 32098966

Mayo Clinic Laboratories, Mayo Clinic
Classification: Uncertain significance. Last evaluated: 2024-01-16. Review status: criteria provided, single submitter. Criteria: ACMG Guidelines, 2015. Collection method: clinical testing. Allele origin: germline. Observed: 47 variant alleles.
Comment: BP4

CeGaT Center for Human Genetics Tuebingen
Classification: Uncertain significance. Last evaluated: 2022-10-01. Review status: criteria provided, single submitter. Criteria: CeGaT Center For Human Genetics Tuebingen Variant Classification Criteria Version 2. Collection method: clinical testing. Allele origin: germline. Affected: yes. Observed: 1 variant allele.
Comment: TET2: PM2:Supporting, BP4

ITMI
No classification provided. Condition: AllHighlyPenetrant. Last evaluated: 2013-09-19. Review status: no classification provided. Collection method: reference population. Allele origin: germline. Not counted in ClinVar's aggregate classification.
Comment: Please see associated publication for description of ethnicities

Literature cited by the submitters: PubMed 22116554 (cited by Labcorp Genetics (formerly Invitae), Labcorp and Mayo Clinic Laboratories, Mayo Clinic); PubMed 22390313 (cited by Labcorp Genetics (formerly Invitae), Labcorp and Mayo Clinic Laboratories, Mayo Clinic); PubMed 32098966 (cited by Labcorp Genetics (formerly Invitae), Labcorp and Mayo Clinic Laboratories, Mayo Clinic); PubMed 24728327 (cited by ITMI).